The following is an entry in ClinVar:

NM_001211.6(BUB1B):c.455C>T (p.Ala152Val)

Gene: BUB1B (BUB1 mitotic checkpoint serine/threonine kinase B; plus strand). Cytogenetic location: 15q15.1.
Variant type: single nucleotide variant.
Coding change: c.455C>T on transcript NM_001211.6 (MANE Select); coding-DNA position 455, C replaced by T.
Protein change: p.Ala152Val; replaces alanine 152 with valine.
Molecular consequence: missense variant.
Genome position (GRCh38, 1-based): chr15:40,176,547, C>T. VCF-style: chr15-40176547-C-T. GRCh37 (hg19) VCF-style: chr15-40468748-C-T.
Other names: short protein forms A152V.
Identifiers: ClinVar variation 1741480 (VCV001741480.2), dbSNP rs2542524073, ClinGen allele CA391681196.

ClinVar aggregate classification (germline): Uncertain significance (1 of 4 stars; one submission).

Conditions:
Inborn genetic diseases. Identifiers: MedGen C0950123, MeSH D030342.

Submission:

Ambry Genetics
Classification: Uncertain significance for Inborn genetic diseases. Last evaluated: 2022-01-15. Review status: criteria provided, single submitter. Criteria: Ambry Variant Classification Scheme 2023. Collection method: clinical testing. Allele origin: germline.
Comment: The p.A152V variant (also known as c.455C>T), located in coding exon 5 of the BUB1B gene, results from a C to T substitution at nucleotide position 455. The alanine at codon 152 is replaced by valine, an amino acid with similar properties. This amino acid position is conserved. In addition, this alteration is predicted to be deleterious by in silico analysis. Since supporting evidence is limited at this time, the clinical significance of this alteration remains unclear.